The following is an entry in ClinVar:

NM_004836.7(EIF2AK3):c.503G>A (p.Arg168His)

Gene: EIF2AK3 (eukaryotic translation initiation factor 2 alpha kinase 3; minus strand). Cytogenetic location: 2p11.2.
Variant type: single nucleotide variant.
Coding change: c.503G>A on transcript NM_004836.7 (MANE Select); coding-DNA position 503, G replaced by A.
Protein change: p.Arg168His; replaces arginine 168 with histidine.
Molecular consequence: missense variant.
Genome position (GRCh38, 1-based): chr2:88,595,599, C>T on the plus strand (G>A on the coding strand, the complement: EIF2AK3 is on the minus strand). VCF-style: chr2-88595599-C-T. GRCh37 (hg19) VCF-style: chr2-88895117-C-T.
Other names: c.50G>A, p.Arg17His (NM_001313915.2); short protein forms R168H, R17H.
Identifiers: ClinVar variation 522521 (VCV000522521.7), dbSNP rs1003629254, ClinGen allele CA51498993.
Genomic context (GRCh38, chr2:88,595,599, plus strand): 5'-AATTTATAAGAAGATTCAAGAAGTGATTCAACTGTGAAAGGAACTGTTTCCATGCTTTCA[C>T]GGTCTTGGTCCCACTGGAAGAGGGCTCCATCCAGGGAAGGAATGATCATCTTATTCCCAA-3'
Protein context (NP_004827.4, residues 158-178): DGALFQWDQD[Arg168His]ESMETVPFTV

ClinVar aggregate classification (germline): Uncertain significance. Review status: criteria provided, multiple submitters, no conflicts (2 of 4 stars). 3 submissions from 3 submitters: Uncertain significance (2). 1 of the submissions does not count toward it. Last evaluated 2022-03-24.

Conditions:
Wolcott-Rallison dysplasia. Also called: MED-IDDM SYNDROME; Wolcott-Rallison syndrome. Identifiers: Orphanet 1667, MedGen C0432217, MONDO:0009192, OMIM 226980.

Allele frequency attached by ClinVar (database versions not stated): gnomAD exomes 0.00001; TOPMed 0.00001.

Submissions (3):

Labcorp Genetics (formerly Invitae), Labcorp
Classification: Uncertain significance. Last evaluated: 2022-03-24. Review status: criteria provided, single submitter. Criteria: Invitae Variant Classification Sherloc (09022015). Collection method: clinical testing. Allele origin: germline.
Comment: This sequence change replaces arginine, which is basic and polar, with histidine, which is basic and polar, at codon 168 of the EIF2AK3 protein (p.Arg168His). This variant is not present in population databases (gnomAD no frequency). This variant has not been reported in the literature in individuals affected with EIF2AK3-related conditions. ClinVar contains an entry for this variant (Variation ID: 522521). Algorithms developed to predict the effect of missense changes on protein structure and function are either unavailable or do not agree on the potential impact of this missense change (SIFT: "Tolerated"; PolyPhen-2: "Probably Damaging"; Align-GVGD: "Class C0"). In summary, the available evidence is currently insufficient to determine the role of this variant in disease. Therefore, it has been classified as a Variant of Uncertain Significance.

Fulgent Genetics
Classification: Uncertain significance for Wolcott-Rallison dysplasia. Last evaluated: 2021-11-09. Review status: criteria provided, single submitter. Criteria: ACMG Guidelines, 2015. Collection method: clinical testing. Allele origin: unknown.

Bioscientia Institut fuer Medizinische Diagnostik GmbH, Sonic Healthcare
Classification: Uncertain significance for Wolcott-Rallison dysplasia. Last evaluated: 2017-10-13. Review status: no assertion criteria provided. Collection method: clinical testing. Allele origin: germline. Affected: yes. Not counted in ClinVar's aggregate classification.